The following is an entry in ClinVar:

NM_133259.4(LRPPRC):c.2971_2972del (p.Lys991fs)

Gene: LRPPRC (leucine rich pentatricopeptide repeat containing; minus strand). Cytogenetic location: 2p21.
Variant type: Deletion.
Coding change: c.2971_2972del on transcript NM_133259.4 (MANE Select); coding-DNA positions 2971 to 2972, 2 bases deleted (AA; older notation c.2971_2972delAA).
Protein change: p.Lys991fs; shifts the reading frame from lysine 991.
Molecular consequence: frameshift variant.
Genome position (GRCh38, 1-based): chr2:43,918,323-43,918,324, TT deleted on the plus strand (AA on the coding strand, the reverse complement: LRPPRC is on the minus strand); deleting any 2 consecutive bases within chr2:43,918,323-43,918,326 gives the same sequence; the c. name uses the placement nearest the transcript's 3' end. VCF-style (leftmost placement, unchanged base first): chr2-43918322-CTT-C. GRCh37 (hg19) VCF-style: chr2-44145461-CTT-C.
Other names: short protein forms K991fs.
Identifiers: ClinVar variation 5015960 (VCV005015960.1).

ClinVar aggregate classification (germline): Pathogenic (1 of 4 stars; one submission).

Conditions:
Congenital lactic acidosis, Saguenay-Lac-Saint-Jean type (MC4DN5). Also called: CYTOCHROME c OXIDASE DEFICIENCY, FRENCH CANADIAN TYPE; COX DEFICIENCY, FRENCH CANADIAN TYPE; MITOCHONDRIAL COMPLEX IV DEFICIENCY, NUCLEAR TYPE 5. Identifiers: Orphanet 70472, MedGen C1857355, MONDO:0009069, OMIM 220111.

Submission:

Myriad Genetics, Inc.
Classification: Pathogenic for Congenital lactic acidosis, Saguenay-Lac-Saint-Jean type. Last evaluated: 2026-05-26. Review status: criteria provided, single submitter. Criteria: Myriad Autosomal Dominant, Autosomal Recessive and X-Linked Classification Criteria (2023). Collection method: clinical testing. Allele origin: unknown.
Comment: NM_133259.3(LRPPRC):c.2971_2972delAA(K991Dfs*10) is expected to be pathogenic in the context of Leigh syndrome, French-Canadian type. This variant is predicted to lead to an abnormal or absent protein product due to the creation of a premature termination codon in LRPPRC, a gene where loss-of-function variants are known to be pathogenic. Please note: this variant was assessed in the context of healthy population screening.